The following is an entry in ClinVar:

ClinVar aggregate classification (germline): Uncertain significance (1 of 4 stars; one submission).

Conditions:
Schuurs-Hoeijmakers syndrome. Also called: PACS1-Related Neurodevelopmental Disorder. Identifiers: Orphanet 329224, MedGen C3554343, MONDO:0014006, OMIM 615009.

Submission:

Labcorp Genetics (formerly Invitae), Labcorp
Classification: Uncertain significance for Schuurs-Hoeijmakers syndrome. Last evaluated: 2022-10-19. Review status: criteria provided, single submitter. Criteria: Invitae Variant Classification Sherloc (09022015). Collection method: clinical testing. Allele origin: germline.
Comment: This variant has not been reported in the literature in individuals affected with PACS1-related conditions. This variant is not present in population databases (gnomAD no frequency). This sequence change replaces methionine, which is neutral and non-polar, with threonine, which is neutral and polar, at codon 432 of the PACS1 protein (p.Met432Thr). Algorithms developed to predict the effect of missense changes on protein structure and function (SIFT, PolyPhen-2, Align-GVGD) all suggest that this variant is likely to be tolerated. In summary, the available evidence is currently insufficient to determine the role of this variant in disease. Therefore, it has been classified as a Variant of Uncertain Significance.

NM_018026.4(PACS1):c.1295T>C (p.Met432Thr)

Gene: PACS1 (phosphofurin acidic cluster sorting protein 1; plus strand). Cytogenetic location: 11q13.2.
Variant type: single nucleotide variant.
Coding change: c.1295T>C on transcript NM_018026.4 (MANE Select); coding-DNA position 1295, T replaced by C.
Protein change: p.Met432Thr; replaces methionine 432 with threonine.
Molecular consequence: missense variant.
Genome position (GRCh38, 1-based): chr11:66,227,505, T>C. VCF-style: chr11-66227505-T-C. GRCh37 (hg19) VCF-style: chr11-65994976-T-C.
Other names: short protein forms M432T.
Identifiers: ClinVar variation 1721906 (VCV001721906.6), dbSNP rs2495573621, ClinGen allele CA381363601.